The following is an entry in ClinVar:

ClinVar aggregate classification (germline): Uncertain significance. Review status: criteria provided, multiple submitters, no conflicts (2 of 4 stars). 3 submissions from 3 submitters: Uncertain significance (3). Last evaluated 2023-09-03.

Conditions:
Developmental and epileptic encephalopathy, 69. Also called: EPILEPTIC ENCEPHALOPATHY, EARLY INFANTILE, 69. Identifiers: MedGen C4748988, MONDO:0032657, OMIM 618285.

Allele frequency attached by ClinVar (database versions not stated): gnomAD exomes below 0.00001 and 0.00001; gnomAD 0.00001.
gnomAD v4.1: 15 of 1,612,774 alleles (0.00093%); highest among the groups gnomAD compares: African/African-American, 0.0013%; 1 homozygote.

Submissions (3):

Labcorp Genetics (formerly Invitae), Labcorp
Classification: Uncertain significance. Last evaluated: 2023-09-03. Review status: criteria provided, single submitter. Criteria: Invitae Variant Classification Sherloc (09022015). Collection method: clinical testing. Allele origin: germline.
Comment: ClinVar contains an entry for this variant (Variation ID: 1384428). This sequence change replaces glycine, which is neutral and non-polar, with glutamic acid, which is acidic and polar, at codon 73 of the CACNA1E protein (p.Gly73Glu). This variant is present in population databases (no rsID available, gnomAD 0.0009%). This variant has not been reported in the literature in individuals affected with CACNA1E-related conditions. Advanced modeling of protein sequence and biophysical properties (such as structural, functional, and spatial information, amino acid conservation, physicochemical variation, residue mobility, and thermodynamic stability) has been performed at Invitae for this missense variant, however the output from this modeling did not meet the statistical confidence thresholds required to predict the impact of this variant on CACNA1E protein function. In summary, the available evidence is currently insufficient to determine the role of this variant in disease. Therefore, it has been classified as a Variant of Uncertain Significance.

Genome-Nilou Lab
Classification: Uncertain significance for Developmental and epileptic encephalopathy, 69. Last evaluated: 2023-04-11. Review status: criteria provided, single submitter. Criteria: ACMG Guidelines, 2015. Collection method: clinical testing. Allele origin: germline. Affected: no.

GeneDx
Classification: Uncertain significance. Last evaluated: 2022-05-13. Review status: criteria provided, single submitter. Criteria: GeneDx Variant Classification Process June 2021. Collection method: clinical testing. Allele origin: germline. Affected: yes.
Comment: In silico analysis supports that this missense variant has a deleterious effect on protein structure/function; Has not been previously published as pathogenic or benign to our knowledge

NM_001205293.3(CACNA1E):c.218G>A (p.Gly73Glu)

Gene: CACNA1E (calcium voltage-gated channel subunit alpha1 E; plus strand). Cytogenetic location: 1q25.3.
Variant type: single nucleotide variant.
Coding change: c.218G>A on transcript NM_001205293.3 (MANE Select); coding-DNA position 218, G replaced by A.
Protein change: p.Gly73Glu; replaces glycine 73 with glutamic acid.
Molecular consequence: missense variant.
Genome position (GRCh38, 1-based): chr1:181,483,962, G>A. VCF-style: chr1-181483962-G-A. GRCh37 (hg19) VCF-style: chr1-181453098-G-A.
Other names: c.218G>A, p.Gly73Glu (NM_000721.4, NM_001205294.2); short protein forms G73E.
Identifiers: ClinVar variation 1384428 (VCV001384428.8), dbSNP rs1219232478, ClinGen allele CA343844592.
Genomic context (GRCh38, chr1:181,483,962, plus strand): 5'-ACAACCCCATTCCCGTCCGGCAGAACTGTTTCACCGTCAACAGATCCCTGTTCATCTTCG[G>A]AGAAGATAACATTGTCAGGAAATATGCCAAGAAGCTCATCGATTGGCCATATCCTTTCTT-3'
Protein context (NP_001192222.1, residues 63-83): FTVNRSLFIF[Gly73Glu]EDNIVRKYAK